The following is an entry in ClinVar:

ClinVar aggregate classification (germline): Uncertain significance (1 of 4 stars; one submission).

Allele frequency attached by ClinVar (database versions not stated): gnomAD exomes below 0.00001; TOPMed below 0.00001.
gnomAD v4.1: 7 of 1,614,150 alleles (0.00043%); highest among the groups gnomAD compares: South Asian, 0.0011%; no homozygotes.

Submission:

Clinical Genomics Laboratory, Washington University in St. Louis
Classification: Uncertain significance. Last evaluated: 2023-12-05. Review status: criteria provided, single submitter. Criteria: ACMG Guidelines, 2015. Collection method: clinical testing. Allele origin: germline.
Comment: The KEL c.30G>C (p.Glu10Asp) variant was identified at a near heterozygous allelic fraction of 49%, a frequency which may be consistent with it being of germline origin. Computational predictors suggest that the variant does not impact KEL function. This variant is only observed on 7/1,461,886 alleles in the general population (gnomAD v.4.0.0), indicating it is not a common variant. The KEL c.30G>C (p.Glu10Asp) variant, to our knowledge, has not been reported in the medical literature. Due to limited information, and based on ACMG/AMP guidelines for variant interpretation (Richards S et al., PMID: 25741868), the clinical significance of this variant is uncertain at this time.

NM_000420.3(KEL):c.30G>C (p.Glu10Asp)

Gene: KEL (Kell metallo-endopeptidase (Kell blood group); minus strand). Cytogenetic location: 7q34.
Variant type: single nucleotide variant.
Coding change: c.30G>C on transcript NM_000420.3 (MANE Select); coding-DNA position 30, G replaced by C.
Protein change: p.Glu10Asp; replaces glutamic acid 10 with aspartic acid.
Molecular consequence: missense variant.
Genome position (GRCh38, 1-based): chr7:142,961,846, C>G on the plus strand (G>C on the coding strand, the complement: KEL is on the minus strand). VCF-style: chr7-142961846-C-G. GRCh37 (hg19) VCF-style: chr7-142658933-C-G.
Other names: short protein forms E10D.
Identifiers: ClinVar variation 3237423 (VCV003237423.1), dbSNP rs778690447.